The following is an entry in ClinVar:

NM_006031.6(PCNT):c.81A>G (p.Thr27=)

Genes: PCNT (pericentrin; plus strand), LOC128092249 (uncharacterized LOC128092249; plus strand). Cytogenetic location: 21q22.3.
Variant type: single nucleotide variant.
Coding change: c.81A>G on transcript NM_006031.6 (MANE Select); coding-DNA position 81, A replaced by G.
Protein change: p.Thr27=; no amino-acid change (threonine 27 retained).
Molecular consequence: synonymous variant. On other transcripts: missense variant (1), 5 prime UTR variant (1).
Genome position (GRCh38, 1-based): chr21:46,326,403, A>G. VCF-style: chr21-46326403-A-G. GRCh37 (hg19) VCF-style: chr21-47746317-A-G.
Other names: c.116A>G, p.Gln39Arg (NM_001414902.1); c.-274A>G (NM_001315529.2); short protein forms Q39R.
Identifiers: ClinVar variation 4990795 (VCV004990795.1).

ClinVar aggregate classification (germline): Likely benign (1 of 4 stars; one submission).

Conditions:
PCNT-related disorder. Also called: PCNT-related condition.

gnomAD v4.1: 9 of 1,614,200 alleles (0.00056%); highest among the groups gnomAD compares: Non-Finnish European, 0.00068%; no homozygotes.

Submission:

PreventionGenetics, part of Exact Sciences
Classification: Likely benign for PCNT-related condition. Last evaluated: 2025-03-21. Review status: criteria provided, single submitter. Criteria: ACMG Guidelines, 2015. Collection method: clinical testing. Allele origin: germline.
Comment: This variant is classified as likely benign based on ACMG/AMP sequence variant interpretation guidelines (Richards et al. 2015 PMID: 25741868, with internal and published modifications).